The following is an entry in ClinVar:

ClinVar aggregate classification (germline): Uncertain significance (1 of 4 stars; one submission).

Conditions:
Developmental and epileptic encephalopathy, 23 (DEE23). Also called: Epileptic encephalopathy, early infantile, 23. Identifiers: Orphanet 411986, MedGen C4014492, MONDO:0014371, OMIM 615859.

Allele frequency attached by ClinVar (database versions not stated): gnomAD exomes below 0.00001; TOPMed 0.00002.
gnomAD v4.1: 6 of 1,613,202 alleles (0.00037%); highest among the groups gnomAD compares: African/African-American, 0.0053%; no homozygotes.

Submission:

Labcorp Genetics (formerly Invitae), Labcorp
Classification: Uncertain significance for Developmental and epileptic encephalopathy, 23. Last evaluated: 2022-09-01. Review status: criteria provided, single submitter. Criteria: Invitae Variant Classification Sherloc (09022015). Collection method: clinical testing. Allele origin: germline.
Comment: This sequence change replaces arginine, which is basic and polar, with cysteine, which is neutral and slightly polar, at codon 395 of the DOCK7 protein (p.Arg395Cys). This variant is not present in population databases (gnomAD no frequency). This variant has not been reported in the literature in individuals affected with DOCK7-related conditions. ClinVar contains an entry for this variant (Variation ID: 836565). Algorithms developed to predict the effect of missense changes on protein structure and function are either unavailable or do not agree on the potential impact of this missense change (SIFT: "Deleterious"; PolyPhen-2: "Probably Damaging"; Align-GVGD: "Class C0"). In summary, the available evidence is currently insufficient to determine the role of this variant in disease. Therefore, it has been classified as a Variant of Uncertain Significance.

NM_001367561.1(DOCK7):c.1183C>T (p.Arg395Cys)

Gene: DOCK7 (dedicator of cytokinesis 7; minus strand). Cytogenetic location: 1p31.3.
Variant type: single nucleotide variant.
Coding change: c.1183C>T on transcript NM_001367561.1 (MANE Select); coding-DNA position 1183, C replaced by T.
Protein change: p.Arg395Cys; replaces arginine 395 with cysteine.
Molecular consequence: missense variant.
Genome position (GRCh38, 1-based): chr1:62,631,339, G>A on the plus strand (C>T on the coding strand, the complement: DOCK7 is on the minus strand). VCF-style: chr1-62631339-G-A. GRCh37 (hg19) VCF-style: chr1-63097010-G-A.
Other names: c.1183C>T, p.Arg395Cys (NM_001271999.2, NM_001272000.2, NM_001272001.2 and 3 more transcripts); short protein forms R395C.
Identifiers: ClinVar variation 836565 (VCV000836565.10), dbSNP rs1654602449, ClinGen allele CA340618982.
Genomic context (GRCh38, chr1:62,631,339, plus strand): 5'-AACTCCCAGCACTGCTAACAATATTCATTAAATGGATTGCAGTCCAAGCAAAAGGCATGC[G>A]ATATTTCCCAAGTCTTTGGCAAAACTGATCTGCTTGACTCTTCAGTTTCTCCAGTTTTTC-3'
Protein context (NP_001354490.1, residues 385-405): DQFCQRLGKY[Arg395Cys]MPFAWTAIHL